The following is an entry in ClinVar:

NM_000836.4(GRIN2D):c.465+4C>A

Genes: GRIN2D (glutamate ionotropic receptor NMDA type subunit 2D; plus strand), LOC130064856 (ATAC-STARR-seq lymphoblastoid silent region 10880; plus strand). Cytogenetic location: 19q13.33.
Variant type: single nucleotide variant.
Coding change: c.465+4C>A on transcript NM_000836.4 (MANE Select); 4 bases into the intron after coding-DNA position 465, C replaced by A.
Molecular consequence: intron variant.
Genome position (GRCh38, 1-based): chr19:48,398,861, C>A. VCF-style: chr19-48398861-C-A. GRCh37 (hg19) VCF-style: chr19-48902118-C-A.
Identifiers: ClinVar variation 3616367 (VCV003616367.2).

ClinVar aggregate classification (germline): Uncertain significance (1 of 4 stars; one submission).

gnomAD v4.1: 4 of 1,288,754 alleles (0.00031%); highest among the groups gnomAD compares: Non-Finnish European, 0.00039%; no homozygotes.

Submission:

Labcorp Genetics (formerly Invitae), Labcorp
Classification: Uncertain significance. Last evaluated: 2024-05-12. Review status: criteria provided, single submitter. Criteria: Invitae Variant Classification Sherloc (09022015). Collection method: clinical testing. Allele origin: germline.
Comment: This sequence change falls in intron 2 of the GRIN2D gene. It does not directly change the encoded amino acid sequence of the GRIN2D protein. It affects a nucleotide within the consensus splice site. This variant is not present in population databases (gnomAD no frequency). This variant has not been reported in the literature in individuals affected with GRIN2D-related conditions. Variants that disrupt the consensus splice site are a relatively common cause of aberrant splicing (PMID: 17576681, 9536098). Algorithms developed to predict the effect of sequence changes on RNA splicing suggest that this variant is not likely to affect RNA splicing. In summary, the available evidence is currently insufficient to determine the role of this variant in disease. Therefore, it has been classified as a Variant of Uncertain Significance.

Literature cited by the submitters: PubMed 17576681; PubMed 9536098.